The following is an entry in ClinVar:

NM_001148.6(ANK2):c.9883G>A (p.Val3295Met)

Gene: ANK2 (ankyrin 2; plus strand). Cytogenetic location: 4q26.
Variant type: single nucleotide variant.
Coding change: c.9883G>A on transcript NM_001148.6 (MANE Select); coding-DNA position 9883, G replaced by A.
Protein change: p.Val3295Met; replaces valine 3295 with methionine.
Molecular consequence: missense variant. On other transcripts: intron variant (68).
Genome position (GRCh38, 1-based): chr4:113,358,501, G>A. VCF-style: chr4-113358501-G-A. GRCh37 (hg19) VCF-style: chr4-114279657-G-A.
Other names: c.4127-2322G>A (NM_001354273.2); c.4427-2322G>A (NM_020977.5); c.4484-2322G>A (NM_001386152.1); c.4505-2322G>A (NM_001354237.2); c.4406-2322G>A (NM_001354230.2); c.4469-2322G>A (NM_001354231.2, NM_001354242.2); c.4472-2322G>A (NM_001386144.1, NM_001354240.2, NM_001354241.2); c.1991-2322G>A (NM_001354279.2, NM_001354282.2); and 35 more; short protein forms V3342M, V3217M, V3334M, V3295M, V2095M.
Identifiers: ClinVar variation 1768490 (VCV001768490.2), dbSNP rs2095967063, ClinGen allele CA357939209.

ClinVar aggregate classification (germline): Uncertain significance (1 of 4 stars; one submission).

Conditions:
Cardiovascular phenotype. Identifiers: MedGen CN230736.

gnomAD v4.1: 2 of 1,614,096 alleles (0.00012%); highest among the groups gnomAD compares: Non-Finnish European, 0.00017%; no homozygotes.

Submission:

Ambry Genetics
Classification: Uncertain significance for Cardiovascular phenotype. Last evaluated: 2020-11-17. Review status: criteria provided, single submitter. Criteria: Ambry Variant Classification Scheme 2023. Collection method: clinical testing. Allele origin: germline.
Comment: The p.V3295M variant (also known as c.9883G>A), located in coding exon 38 of the ANK2 gene, results from a G to A substitution at nucleotide position 9883. This exon is expressed solely in brain (Mohler PJ et al. Circulation. 2007;115(4):432-41). The valine at codon 3295 is replaced by methionine, an amino acid with highly similar properties. This amino acid position is not well conserved in available vertebrate species. In addition, this alteration is predicted to be deleterious by in silico analysis. Since supporting evidence is limited at this time, the clinical significance of this alteration remains unclear.